The following is an entry in ClinVar:

NM_006070.6(TFG):c.1118dup (p.Pro374fs)

Gene: TFG (trafficking from ER to golgi regulator; plus strand). Cytogenetic location: 3q12.2.
Variant type: Duplication.
Coding change: c.1118dup on transcript NM_006070.6 (MANE Select); coding-DNA position 1118, one base duplicated (C; older notation c.1118dupC).
Protein change: p.Pro374fs; shifts the reading frame from proline 374.
Molecular consequence: frameshift variant.
Genome position (GRCh38, 1-based): chr3:100,748,446, C duplicated; the last of 4 consecutive C bases (chr3:100,748,443-100,748,446); duplicating any one gives the same sequence. VCF-style (leftmost placement, unchanged base first): chr3-100748442-A-AC. GRCh37 (hg19) VCF-style: chr3-100467286-A-AC.
Other names: c.1118dup, p.Pro374fs (NM_001007565.2, NM_001195478.2); c.1106dup, p.Pro370fs (NM_001195479.2); short protein forms P370fs, P374fs.
Identifiers: ClinVar variation 2951451 (VCV002951451.3), dbSNP rs2472159363, ClinGen allele CA2740094543.

ClinVar aggregate classification (germline): Uncertain significance (1 of 4 stars; one submission).

Conditions:
Hereditary motor and sensory neuropathy, Okinawa type (HMSNO). Also called: HEREDITARY MOTOR AND SENSORY NEUROPATHY, PROXIMAL TYPE. Identifiers: Orphanet 90117, MedGen C1858338, MONDO:0011468, OMIM 604484.
Hereditary spastic paraplegia 57. Also called: Spastic paraplegia 57, autosomal recessive. Identifiers: Orphanet 431329, MedGen C3714897, MONDO:0014295, OMIM 615658.

Submission:

Labcorp Genetics (formerly Invitae), Labcorp
Classification: Uncertain significance for Hereditary motor and sensory neuropathy, Okinawa type; Hereditary spastic paraplegia 57. Last evaluated: 2023-11-13. Review status: criteria provided, single submitter. Criteria: Invitae Variant Classification Sherloc (09022015). Collection method: clinical testing. Allele origin: germline.
Comment: This sequence change creates a premature translational stop signal (p.Pro374Serfs*6) in the TFG gene. While this is not anticipated to result in nonsense mediated decay, it is expected to disrupt the last 27 amino acid(s) of the TFG protein. This variant is not present in population databases (gnomAD no frequency). This variant has not been reported in the literature in individuals affected with TFG-related conditions. Experimental studies and prediction algorithms are not available or were not evaluated, and the functional significance of this variant is currently unknown. In summary, the available evidence is currently insufficient to determine the role of this variant in disease. Therefore, it has been classified as a Variant of Uncertain Significance.